The following is an entry in ClinVar:

ClinVar aggregate classification (germline): Uncertain significance (1 of 4 stars; one submission).

Conditions:
Hereditary cancer-predisposing syndrome. Also called: Neoplastic Syndromes, Hereditary; Tumor predisposition; Hereditary Cancer Syndrome; Hereditary neoplastic syndrome. Identifiers: Orphanet 140162, MedGen C0027672, MeSH D009386, MONDO:0015356.

Submission:

Ambry Genetics
Classification: Uncertain significance for Hereditary cancer-predisposing syndrome. Last evaluated: 2025-12-21. Review status: criteria provided, single submitter. Criteria: Ambry Variant Classification Scheme 2023. Collection method: clinical testing. Allele origin: germline.
Comment: The p.R1477G variant (also known as c.4429C>G), located in coding exon 30 of the SMARCA4 gene, results from a C to G substitution at nucleotide position 4429. The arginine at codon 1477 is replaced by glycine, an amino acid with dissimilar properties. This amino acid position is conserved. In addition, this alteration is predicted to be tolerated by in silico analysis. Based on the available evidence, the clinical significance of this variant remains unclear.

NM_003072.5(SMARCA4):c.4333C>G (p.Arg1445Gly)

Gene: SMARCA4 (SWI/SNF related BAF chromatin remodeling complex subunit ATPase 4; plus strand). Cytogenetic location: 19p13.2.
Variant type: single nucleotide variant.
Coding change: c.4333C>G on transcript NM_003072.5 (MANE Select); coding-DNA position 4333, C replaced by G.
Protein change: p.Arg1445Gly; replaces arginine 1445 with glycine.
Molecular consequence: missense variant. On other transcripts: non-coding transcript variant (1).
Genome position (GRCh38, 1-based): chr19:11,041,469, C>G. VCF-style: chr19-11041469-C-G. GRCh37 (hg19) VCF-style: chr19-11152145-C-G.
Other names: c.4333C>G, p.Arg1445Gly (NM_001128844.3); c.4243C>G, p.Arg1415Gly (NM_001128845.2, NM_001128846.2); c.4234C>G, p.Arg1412Gly (NM_001128847.4, NM_001128848.2, NM_001374457.1); c.4429C>G, p.Arg1477Gly (NM_001128849.3, NM_001387283.1); c.4330C>G, p.Arg1444Gly (NM_001411150.1); short protein forms R1412G, R1415G, R1444G, R1445G, R1477G.
Identifiers: ClinVar variation 4843566 (VCV004843566.1).